The following is an entry in ClinVar:

NM_002900.3(RBP3):c.2921G>A (p.Arg974Lys)

Gene: RBP3 (retinol binding protein 3; plus strand). Cytogenetic location: 10q11.22.
Variant type: single nucleotide variant.
Coding change: c.2921G>A on transcript NM_002900.3 (MANE Select); coding-DNA position 2921, G replaced by A.
Protein change: p.Arg974Lys; replaces arginine 974 with lysine.
Molecular consequence: missense variant.
Genome position (GRCh38, 1-based): chr10:47,351,405, G>A. VCF-style: chr10-47351405-G-A. GRCh37 (hg19) VCF-style: chr10-48387957-C-T.
Other names: short protein forms R974K.
Identifiers: ClinVar variation 299956 (VCV000299956.15), dbSNP rs782423972, ClinGen allele CA5487176.

ClinVar aggregate classification (germline): Uncertain significance. Review status: criteria provided, multiple submitters, no conflicts (2 of 4 stars). 3 submissions from 3 submitters: Uncertain significance (3). Last evaluated 2025-04-16.

Conditions:
Inborn genetic diseases. Identifiers: MedGen C0950123, MeSH D030342.
Retinitis pigmentosa (RP). Identifiers: Orphanet 791, MedGen C0035334, MeSH D012174, MONDO:0019200, OMIM 268000. Inheritance: Autosomal dominant, autosomal recessive and X linked inheritance.

Allele frequency attached by ClinVar (database versions not stated): ExAC 0.00001; gnomAD exomes 0.00001 and 0.00004; gnomAD 0.00002; TOPMed 0.00002.
gnomAD v4.1: 61 of 1,613,608 alleles (0.0038%); highest among the groups gnomAD compares: Non-Finnish European, 0.0049%; no homozygotes.

Submissions (3):

Labcorp Genetics (formerly Invitae), Labcorp
Classification: Uncertain significance. Last evaluated: 2025-04-16. Review status: criteria provided, single submitter. Criteria: Invitae Variant Classification Sherloc (09022015). Collection method: clinical testing. Allele origin: germline.
Comment: This sequence change replaces arginine, which is basic and polar, with lysine, which is basic and polar, at codon 974 of the RBP3 protein (p.Arg974Lys). This variant is present in population databases (rs782423972, gnomAD 0.002%). This variant has not been reported in the literature in individuals affected with RBP3-related conditions. ClinVar contains an entry for this variant (Variation ID: 299956). Invitae Evidence Modeling of protein sequence and biophysical properties (such as structural, functional, and spatial information, amino acid conservation, physicochemical variation, residue mobility, and thermodynamic stability) indicates that this missense variant is not expected to disrupt RBP3 protein function with a negative predictive value of 80%. In summary, the available evidence is currently insufficient to determine the role of this variant in disease. Therefore, it has been classified as a Variant of Uncertain Significance.

Ambry Genetics
Classification: Uncertain significance for Inborn genetic diseases. Last evaluated: 2023-02-23. Review status: criteria provided, single submitter. Criteria: Ambry Variant Classification Scheme 2023. Collection method: clinical testing. Allele origin: germline.

Illumina Laboratory Services, Illumina
Classification: Uncertain significance for Retinitis pigmentosa. Last evaluated: 2018-01-12. Review status: criteria provided, single submitter. Criteria: ICSL Variant Classification Criteria 13 December 2019. Collection method: clinical testing. Allele origin: germline.